The following is an entry in ClinVar:

ClinVar aggregate classification (germline): Pathogenic (1 of 4 stars; one submission).

Submission:

Labcorp Genetics (formerly Invitae), Labcorp
Classification: Pathogenic. Last evaluated: 2022-05-27. Review status: criteria provided, single submitter. Criteria: Invitae Variant Classification Sherloc (09022015). Collection method: clinical testing. Allele origin: germline.
Comment: For these reasons, this variant has been classified as Pathogenic. This premature translational stop signal has been observed in individual(s) with maturity-onset diabetes of the young (PMID: 29927023). This variant is not present in population databases (gnomAD no frequency). This sequence change creates a premature translational stop signal (p.Gln292*) in the HNF4A gene. It is expected to result in an absent or disrupted protein product. Loss-of-function variants in HNF4A are known to be pathogenic (PMID: 20164212, 23275527, 23348805, 24097065).

Literature cited by the submitters: PubMed 29927023; PubMed 20164212; PubMed 23275527; PubMed 23348805; PubMed 24097065.

NM_175914.5(HNF4A):c.874C>T (p.Gln292Ter)

Gene: HNF4A (hepatocyte nuclear factor 4 alpha; plus strand). Cytogenetic location: 20q13.12.
Variant type: single nucleotide variant.
Coding change: c.874C>T on transcript NM_175914.5 (MANE Select); coding-DNA position 874, C replaced by T.
Protein change: p.Gln292Ter; replaces glutamine 292 with a stop codon.
Molecular consequence: nonsense.
Genome position (GRCh38, 1-based): chr20:44,424,065, C>T. VCF-style: chr20-44424065-C-T. GRCh37 (hg19) VCF-style: chr20-43052705-C-T.
Other names: c.940C>T, p.Gln314Ter (NM_000457.6, NM_178849.3, NM_178850.3); c.874C>T, p.Gln292Ter (NM_001030003.3, NM_001030004.3); c.919C>T, p.Gln307Ter (NM_001258355.2); c.865C>T, p.Gln289Ter (NM_001287182.2, NM_001287183.2, NM_001287184.2); short protein forms Q307*, Q289*, Q292*, Q314*.
Identifiers: ClinVar variation 2169620 (VCV002169620.4), dbSNP rs2515713794, ClinGen allele CA409108082.